The following is an entry in ClinVar:

NM_000264.5(PTCH1):c.301T>A (p.Phe101Ile)

Gene: PTCH1 (patched 1; minus strand). Cytogenetic location: 9q22.32.
Variant type: single nucleotide variant.
Coding change: c.301T>A on transcript NM_000264.5 (MANE Select); coding-DNA position 301, T replaced by A.
Protein change: p.Phe101Ile; replaces phenylalanine 101 with isoleucine.
Molecular consequence: missense variant. On other transcripts: 5 prime UTR variant (4), non-coding transcript variant (1).
Genome position (GRCh38, 1-based): chr9:95,506,500, A>T on the plus strand (T>A on the coding strand, the complement: PTCH1 is on the minus strand). VCF-style: chr9-95506500-A-T. GRCh37 (hg19) VCF-style: chr9-98268782-A-T.
Other names: c.103T>A, p.Phe35Ile (NM_001083602.3, NM_001354919.2); c.298T>A, p.Phe100Ile (NM_001083603.3); c.-153T>A (NM_001083604.3, NM_001083605.3, NM_001083606.3 and 1 more transcripts); c.301T>A, p.Phe101Ile (NM_001354918.2); short protein forms F101I, F100I, F35I.
Identifiers: ClinVar variation 5027559 (VCV005027559.1).

ClinVar aggregate classification (germline): Uncertain significance (1 of 4 stars; one submission).

Conditions:
Hereditary cancer-predisposing syndrome. Also called: Neoplastic Syndromes, Hereditary; Tumor predisposition; Hereditary neoplastic syndrome; Hereditary Cancer Syndrome. Identifiers: Orphanet 140162, MedGen C0027672, MeSH D009386, MONDO:0015356.

Submission:

Ambry Genetics
Classification: Uncertain significance for Hereditary cancer-predisposing syndrome. Last evaluated: 2026-08-29. Review status: criteria provided, single submitter. Criteria: Ambry Variant Classification Scheme 2023. Collection method: clinical testing. Allele origin: germline.
Comment: The p.F101I variant (also known as c.301T>A), located in coding exon 2 of the PTCH1 gene, results from a T to A substitution at nucleotide position 301. The phenylalanine at codon 101 is replaced by isoleucine, an amino acid with highly similar properties. This amino acid position is conserved. In addition, this alteration is predicted to be deleterious by in silico analysis. Based on the available evidence, the clinical significance of this variant remains unclear.